The following is an entry in ClinVar:

ClinVar aggregate classification (germline): Uncertain significance. Review status: criteria provided, multiple submitters, no conflicts (2 of 4 stars). 3 submissions from 3 submitters: Uncertain significance (3). Last evaluated 2024-12-05.

Conditions:
Cardiovascular phenotype. Identifiers: MedGen CN230736.
Dilated cardiomyopathy 1JJ (CMD1JJ). Identifiers: Orphanet 154, MedGen C3808935, MONDO:0014095, OMIM 615235.

Allele frequency attached by ClinVar (database versions not stated): TOPMed 0.00003.
gnomAD v4.1: 33 of 1,612,670 alleles (0.002%); highest among the groups gnomAD compares: Non-Finnish European, 0.0027%; no homozygotes.

Submissions (3):

Ambry Genetics
Classification: Uncertain significance for Cardiovascular phenotype. Last evaluated: 2024-12-05. Review status: criteria provided, single submitter. Criteria: Ambry Variant Classification Scheme 2023. Collection method: clinical testing. Allele origin: germline.
Comment: The p.F1266L variant (also known as c.3798C>A), located in coding exon 27 of the LAMA4 gene, results from a C to A substitution at nucleotide position 3798. The phenylalanine at codon 1266 is replaced by leucine, an amino acid with highly similar properties. This amino acid position is conserved. In addition, this alteration is predicted to be tolerated by in silico analysis. Since supporting evidence is limited at this time, the clinical significance of this alteration remains unclear.

Labcorp Genetics (formerly Invitae), Labcorp
Classification: Uncertain significance for Dilated cardiomyopathy 1JJ. Last evaluated: 2022-07-26. Review status: criteria provided, single submitter. Criteria: Invitae Variant Classification Sherloc (09022015). Collection method: clinical testing. Allele origin: germline.
Comment: This variant is present in population databases (rs138232283, gnomAD 0.003%). In summary, the available evidence is currently insufficient to determine the role of this variant in disease. Therefore, it has been classified as a Variant of Uncertain Significance. Algorithms developed to predict the effect of missense changes on protein structure and function output the following: SIFT: "Tolerated"; PolyPhen-2: "Benign"; Align-GVGD: "Class C0". The leucine amino acid residue is found in multiple mammalian species, which suggests that this missense change does not adversely affect protein function. ClinVar contains an entry for this variant (Variation ID: 453203). This variant has not been reported in the literature in individuals affected with LAMA4-related conditions. This sequence change replaces phenylalanine, which is neutral and non-polar, with leucine, which is neutral and non-polar, at codon 1266 of the LAMA4 protein (p.Phe1266Leu).

GeneDx
Classification: Uncertain significance. Last evaluated: 2018-07-24. Review status: criteria provided, single submitter. Criteria: GeneDx Variant Classification (06012015). Collection method: clinical testing. Allele origin: germline. Affected: yes.
Comment: A variant of uncertain significance has been identified in the LAMA4 gene. The F1266L variant has not been published as pathogenic or been reported as benign to our knowledge. This variant is not observed at a significant frequency in large population cohorts (Lek et al., 2016). However, the F1266L variant is a conservative amino acid substitution, which is not likely to impact secondary protein structure as these residues share similar properties. This substitution occurs at a position where amino acids with similar properties to phenylalanine (F) are tolerated across species and where leucine (L) is present as the wild type in several species. In silico analysis is inconsistent in its predictions as to whether or not the variant is damaging to the protein structure/function.

NM_001105206.3(LAMA4):c.3819C>A (p.Phe1273Leu)

Gene: LAMA4 (laminin subunit alpha 4; minus strand). Cytogenetic location: 6q21.
Variant type: single nucleotide variant.
Coding change: c.3819C>A on transcript NM_001105206.3 (MANE Select); coding-DNA position 3819, C replaced by A.
Protein change: p.Phe1273Leu; replaces phenylalanine 1273 with leucine.
Molecular consequence: missense variant.
Genome position (GRCh38, 1-based): chr6:112,132,768, G>T on the plus strand (C>A on the coding strand, the complement: LAMA4 is on the minus strand). VCF-style: chr6-112132768-G-T. GRCh37 (hg19) VCF-style: chr6-112453970-G-T.
Other names: c.3798C>A (LRG_433t2); c.3798C>A, p.Phe1266Leu (NM_001105207.3, NM_002290.5); short protein forms F1266L, F1273L.
Identifiers: ClinVar variation 453203 (VCV000453203.9), dbSNP rs138232283, ClinGen allele CA3965128.
Genomic context (GRCh38, chr6:112,132,768, plus strand): 5'-ACAATTATCACAAAGAAGTTTCCTCAGAGAAAAACAAACACTTACCCCTGAAGCATAATA[G>T]AATAGTAACCCATTTGGTTGTAATGTTCGGAAATTAAAACCTCCTTCAAAGCCATCAAAG-3'
Protein context (NP_001098676.2, residues 1263-1283): FRTLQPNGLL[Phe1273Leu]YYASGSDVFS